The following is an entry in ClinVar:

NM_024741.3(ZNF408):c.133C>A (p.Pro45Thr)

Gene: ZNF408 (zinc finger protein 408; plus strand). Cytogenetic location: 11p11.2.
Variant type: single nucleotide variant.
Coding change: c.133C>A on transcript NM_024741.3 (MANE Select); coding-DNA position 133, C replaced by A.
Protein change: p.Pro45Thr; replaces proline 45 with threonine.
Molecular consequence: missense variant.
Genome position (GRCh38, 1-based): chr11:46,701,479, C>A. VCF-style: chr11-46701479-C-A. GRCh37 (hg19) VCF-style: chr11-46723029-C-A.
Other names: c.109C>A, p.Pro37Thr (NM_001184751.2); c.133C>A (NM_024741.2); short protein forms P37T, P45T.
Identifiers: ClinVar variation 1434296 (VCV001434296.7), dbSNP rs752146947, ClinGen allele CA5966245.

ClinVar aggregate classification (germline): Uncertain significance. Review status: criteria provided, multiple submitters, no conflicts (2 of 4 stars). 2 submissions from 2 submitters: Uncertain significance (2). Last evaluated 2025-12-03.

Conditions:
Inborn genetic diseases. Identifiers: MedGen C0950123, MeSH D030342.

Allele frequency attached by ClinVar (database versions not stated): gnomAD exomes 0.00001 and 0.00002; ExAC 0.00002; TOPMed 0.00002.

Submissions (2):

Ambry Genetics
Classification: Uncertain significance for Inborn genetic diseases. Last evaluated: 2025-12-03. Review status: criteria provided, single submitter. Criteria: Ambry Variant Classification Scheme 2023. Collection method: clinical testing. Allele origin: germline.

Labcorp Genetics (formerly Invitae), Labcorp
Classification: Uncertain significance. Last evaluated: 2022-06-27. Review status: criteria provided, single submitter. Criteria: Invitae Variant Classification Sherloc (09022015). Collection method: clinical testing. Allele origin: germline.
Comment: This sequence change replaces proline, which is neutral and non-polar, with threonine, which is neutral and polar, at codon 45 of the ZNF408 protein (p.Pro45Thr). This variant is present in population databases (rs752146947, gnomAD 0.01%). In summary, the available evidence is currently insufficient to determine the role of this variant in disease. Therefore, it has been classified as a Variant of Uncertain Significance. Algorithms developed to predict the effect of missense changes on protein structure and function (SIFT, PolyPhen-2, Align-GVGD) all suggest that this variant is likely to be tolerated. This variant has not been reported in the literature in individuals affected with ZNF408-related conditions.